The following is an entry in ClinVar:

ClinVar aggregate classification (germline): Conflicting classifications of pathogenicity. Review status: criteria provided, conflicting classifications (1 of 4 stars). 3 submissions from 3 submitters: Uncertain significance (2); Likely benign (1). Last evaluated 2025-12-21.

Conditions:
DCHS1-related disorder. Also called: DCHS1-related condition.
Inborn genetic diseases. Identifiers: MedGen C0950123, MeSH D030342.

Allele frequency attached by ClinVar (database versions not stated): TOPMed 0.00003; gnomAD 0.00004; ExAC 0.00010; 1000 Genomes Project 0.00040; 1000 Genomes Project 30x 0.00047; gnomAD exomes 0.00003.

Submissions (3):

Labcorp Genetics (formerly Invitae), Labcorp
Classification: Likely benign. Last evaluated: 2025-12-21. Review status: criteria provided, single submitter. Criteria: Invitae Variant Classification Sherloc (09022015). Collection method: clinical testing. Allele origin: germline.

PreventionGenetics, part of Exact Sciences
Classification: Uncertain significance for DCHS1-related condition. Last evaluated: 2025-06-19. Review status: criteria provided, single submitter. Criteria: ACMG Guidelines, 2015. Collection method: clinical testing. Allele origin: germline.
Comment: The DCHS1 c.503G>A variant is predicted to result in the amino acid substitution p.Arg168His. To our knowledge, this variant has not been reported in the literature. This variant is reported in 0.095% of alleles in individuals of East Asian descent in gnomAD. Although we suspect that this variant may be benign, at this time, the clinical significance of this variant is uncertain due to the absence of conclusive functional and genetic evidence.

Ambry Genetics
Classification: Uncertain significance for Inborn genetic diseases. Last evaluated: 2023-04-24. Review status: criteria provided, single submitter. Criteria: Ambry Variant Classification Scheme 2023. Collection method: clinical testing. Allele origin: germline.

NM_003737.4(DCHS1):c.503G>A (p.Arg168His)

Gene: DCHS1 (dachsous cadherin-related 1; minus strand). Cytogenetic location: 11p15.4.
Variant type: single nucleotide variant.
Coding change: c.503G>A on transcript NM_003737.4 (MANE Select); coding-DNA position 503, G replaced by A.
Protein change: p.Arg168His; replaces arginine 168 with histidine.
Molecular consequence: missense variant.
Genome position (GRCh38, 1-based): chr11:6,641,111, C>T on the plus strand (G>A on the coding strand, the complement: DCHS1 is on the minus strand). VCF-style: chr11-6641111-C-T. GRCh37 (hg19) VCF-style: chr11-6662342-C-T.
Other names: c.503G>A (NM_003737.3); short protein forms R168H.
Identifiers: ClinVar variation 2520222 (VCV002520222.5), dbSNP rs184561385, ClinGen allele CA5861144.
Genomic context (GRCh38, chr11:6,641,111, plus strand): 5'-CCAGCCCCATCACCAGATAGCGCATAGCCCTGGGTTCCCAGACGCCCAGCATCTGCATCA[C>T]GAGCAGGCTCCAGTGGGTAGCGGGTGCCAAAAGCTGTATGCTCAGGTACCTGCAGGGCAG-3'
Protein context (NP_003728.1, residues 158-178): FGTRYPLEPA[Arg168His]DADAGRLGTQ